The following is an entry in ClinVar:

NM_000138.5(FBN1):c.2855-139dup

Gene: FBN1 (fibrillin 1; minus strand). Cytogenetic location: 15q21.1.
Variant type: Duplication.
Coding change: c.2855-139dup on transcript NM_000138.5 (MANE Select); 139 bases into the intron before coding-DNA position 2855, one base duplicated (T; older notation c.2855-139dupT).
Molecular consequence: intron variant.
Genome position (GRCh38, 1-based): chr15:48,490,217, A duplicated on the plus strand (T on the coding strand, the reverse complement: FBN1 is on the minus strand); the first of 8 consecutive A bases (chr15:48,490,217-48,490,224); duplicating any one gives the same sequence. VCF-style (leftmost placement, unchanged base first): chr15-48490216-C-CA. GRCh37 (hg19) VCF-style: chr15-48782413-C-CA.
Other names: c.2855-139dupT (NM_000138.4).
Identifiers: ClinVar variation 495581 (VCV000495581.1), dbSNP rs200982490, ClinGen allele CA269533973.

ClinVar aggregate classification (germline): Benign (1 of 4 stars; one submission).

Submission:

Women's Health and Genetics/Laboratory Corporation of America, LabCorp
Classification: Benign. Last evaluated: 2017-06-01. Review status: criteria provided, single submitter. Criteria: LabCorp Variant Classification Summary - May 2015. Collection method: clinical testing. Allele origin: germline.
Comment: Variant summary: The FBN1 c.2855-139dupT variant involves the alteration of an intronic nucleotide and 4/5 splice prediction tools predict no significant impact on normal splicing. However, these predictions have yet to be confirmed by functional studies. This variant was found in the large, broad control population, gnomAD that includes ExAC data and additional whole exome and genome sequences with an allele frequency of 29/30704 (1 homozygote) control chromosomes, predominantly observed in the European (Non-Finnish) subpopulation at a frequency of 0.001479 (22/14872 including 1 homozygote). This frequency is about 13 times the estimated maximal expected allele frequency of a pathogenic FBN1 variant (0.0001125), suggesting this is likely a benign polymorphism found primarily in population(s) of European (Non-Finnish) origin. The variant of interest has not, to our knowledge, been reported in affected individuals via publications and/or reputable databases/clinical diagnostic laboratories; nor evaluated for functional impact by in vivo/vitro studies. Taken together, this variant is classified as benign.